The following is an entry in ClinVar:

ClinVar aggregate classification (germline): Uncertain significance. Review status: criteria provided, multiple submitters, no conflicts (2 of 4 stars). 3 submissions from 3 submitters: Uncertain significance (3). Last evaluated 2025-12-18.

Conditions:
Nijmegen breakage syndrome-like disorder (NBSLD). Also called: MICROCEPHALY AND SPONTANEOUS CHROMOSOME INSTABILITY WITHOUT IMMUNODEFICIENCY; NBS-LIKE DISORDER; RAD50 DEFICIENCY. Identifiers: Orphanet 240760, MedGen C2751318, MONDO:0013118, OMIM 613078.
Hereditary cancer-predisposing syndrome. Also called: Neoplastic Syndromes, Hereditary; Tumor predisposition; Hereditary neoplastic syndrome; Hereditary Cancer Syndrome. Identifiers: Orphanet 140162, MedGen C0027672, MeSH D009386, MONDO:0015356.

Allele frequency attached by ClinVar (database versions not stated): TOPMed below 0.00001; ExAC 0.00002; gnomAD exomes 0.00001 and 0.00002; ESP Exome Variant Server 0.00008.
gnomAD v4.1: 16 of 1,614,082 alleles (0.00099%); highest among the groups gnomAD compares: East Asian, 0.0045%; no homozygotes.

Submissions (3):

Ambry Genetics
Classification: Uncertain significance for Hereditary cancer-predisposing syndrome. Last evaluated: 2025-12-18. Review status: criteria provided, single submitter. Criteria: Ambry Variant Classification Scheme 2023. Collection method: clinical testing. Allele origin: germline.
Comment: The p.I670V variant (also known as c.2008A>G), located in coding exon 13 of the RAD50 gene, results from an A to G substitution at nucleotide position 2008. The isoleucine at codon 670 is replaced by valine, an amino acid with highly similar properties. This alteration has been reported in a breast cancer patient from a cohort of 4034 cancer cases from The Cancer Genome Atlas (Lu C et al. Nat Commun. 2015 Dec;6:10086). This amino acid position is highly conserved in available vertebrate species. In addition, the in silico prediction for this alteration is inconclusive. Since supporting evidence is limited at this time, the clinical significance of this alteration remains unclear.

Labcorp Genetics (formerly Invitae), Labcorp
Classification: Uncertain significance for Hereditary cancer-predisposing syndrome. Last evaluated: 2025-10-25. Review status: criteria provided, single submitter. Criteria: Invitae Variant Classification Sherloc (09022015). Collection method: clinical testing. Allele origin: germline.
Comment: This sequence change replaces isoleucine, which is neutral and non-polar, with valine, which is neutral and non-polar, at codon 670 of the RAD50 protein (p.Ile670Val). This variant is present in population databases (rs148531034, gnomAD 0.01%). This missense change has been observed in individual(s) with breast cancer (PMID: 26689913). ClinVar contains an entry for this variant (Variation ID: 457396). Invitae Evidence Modeling of protein sequence and biophysical properties (such as structural, functional, and spatial information, amino acid conservation, physicochemical variation, residue mobility, and thermodynamic stability) indicates that this missense variant is not expected to disrupt RAD50 protein function with a negative predictive value of 80%. In summary, the available evidence is currently insufficient to determine the role of this variant in disease. Therefore, it has been classified as a Variant of Uncertain Significance.

Baylor Genetics
Classification: Uncertain significance for Nijmegen breakage syndrome-like disorder. Last evaluated: 2023-11-06. Review status: criteria provided, single submitter. Criteria: ACMG Guidelines, 2015. Collection method: clinical testing. Allele origin: unknown.

Literature cited by the submitters: PubMed 26689913 (cited by Ambry Genetics and Labcorp Genetics (formerly Invitae), Labcorp).

NM_005732.4(RAD50):c.2008A>G (p.Ile670Val)

Gene: RAD50 (RAD50 double strand break repair protein; plus strand). Cytogenetic location: 5q31.1.
Variant type: single nucleotide variant.
Coding change: c.2008A>G on transcript NM_005732.4 (MANE Select); coding-DNA position 2008, A replaced by G.
Protein change: p.Ile670Val; replaces isoleucine 670 with valine.
Molecular consequence: missense variant.
Genome position (GRCh38, 1-based): chr5:132,595,611, A>G. VCF-style: chr5-132595611-A-G. GRCh37 (hg19) VCF-style: chr5-131931303-A-G.
Other names: short protein forms I670V.
Identifiers: ClinVar variation 457396 (VCV000457396.16), dbSNP rs148531034, ClinGen allele CA3405316.
Genomic context (GRCh38, chr5:132,595,611, plus strand): 5'-ATAATTTATTTTCTTAAAATAGCCATGCTGGCTGGAGCCACAGCAGTTTACTCCCAGTTC[A>G]TTACTCAGCTAACAGACGAAAACCAGTCATGTTGCCCCGTTTGTCAGAGAGTTTTTCAGA-3'
Protein context (NP_005723.2, residues 660-680): AGATAVYSQF[Ile670Val]TQLTDENQSC